The following is an entry in ClinVar:

NM_003401.5(XRCC4):c.745+5783A>C

Gene: XRCC4 (X-ray repair cross complementing 4; plus strand). Cytogenetic location: 5q14.2.
Variant type: single nucleotide variant.
Coding change: c.745+5783A>C on transcript NM_003401.5 (MANE Select); 5783 bases into the intron after coding-DNA position 745, A replaced by C.
Molecular consequence: intron variant.
Genome position (GRCh38, 1-based): chr5:83,210,704, A>C. VCF-style: chr5-83210704-A-C. GRCh37 (hg19) VCF-style: chr5-82506523-A-C.
Other names: c.745+5783A>C (NM_001318012.3, NM_022550.4, NM_022406.5 and 1 more transcripts).
Identifiers: ClinVar variation 5018625 (VCV005018625.2).

ClinVar aggregate classification (germline): Uncertain significance (1 of 4 stars; one submission).

Conditions:
Short stature, microcephaly, and endocrine dysfunction (SSMED). Identifiers: Orphanet 436182, MedGen C4225288, MONDO:0014686, OMIM 616541.

gnomAD v4.1: 2 of 152,214 alleles (0.0013%); highest among the groups gnomAD compares: East Asian, 0.019%; no homozygotes.

Submission:

Juno Genomics, Hangzhou Juno Genomics, Inc
Classification: Uncertain significance for Short stature, microcephaly, and endocrine dysfunction. Review status: criteria provided, single submitter. Criteria: ACMG Guidelines, 2015. Collection method: clinical testing. Allele origin: germline.
Comment: Absent from controls (or at extremely low frequency if recessive) in Genome Aggregation Database.;Multiple lines of computational evidence support a deleterious effect on the gene or gene product.